The following is an entry in ClinVar:

NM_006767.4(LZTR1):c.1097G>T (p.Gly366Val)

Gene: LZTR1 (leucine zipper like post translational regulator 1; plus strand). Cytogenetic location: 22q11.21.
Variant type: single nucleotide variant.
Coding change: c.1097G>T on transcript NM_006767.4 (MANE Select); coding-DNA position 1097, G replaced by T.
Protein change: p.Gly366Val; replaces glycine 366 with valine.
Molecular consequence: missense variant.
Genome position (GRCh38, 1-based): chr22:20,992,317, G>T. VCF-style: chr22-20992317-G-T. GRCh37 (hg19) VCF-style: chr22-21346606-G-T.
Other names: short protein forms G366V.
Identifiers: ClinVar variation 1791007 (VCV001791007.2), dbSNP rs2518618091, ClinGen allele CA410782048.

ClinVar aggregate classification (germline): Uncertain significance (1 of 4 stars; one submission).

Conditions:
Hereditary cancer-predisposing syndrome. Also called: Hereditary Cancer Syndrome; Hereditary neoplastic syndrome; Tumor predisposition; Neoplastic Syndromes, Hereditary. Identifiers: Orphanet 140162, MedGen C0027672, MeSH D009386, MONDO:0015356.
Cardiovascular phenotype. Identifiers: MedGen CN230736.

Submission:

Ambry Genetics
Classification: Uncertain significance for Cardiovascular phenotype; Hereditary cancer-predisposing syndrome. Last evaluated: 2022-07-04. Review status: criteria provided, single submitter. Criteria: Ambry Variant Classification Scheme 2023. Collection method: clinical testing. Allele origin: germline.
Comment: The p.G366V variant (also known as c.1097G>T), located in coding exon 10 of the LZTR1 gene, results from a G to T substitution at nucleotide position 1097. The glycine at codon 366 is replaced by valine, an amino acid with dissimilar properties. This amino acid position is conserved. In addition, the in silico prediction for this alteration is inconclusive. Since supporting evidence is limited at this time, the clinical significance of this alteration remains unclear.